The following is an entry in ClinVar:

NM_000548.5(TSC2):c.3401G>C (p.Gly1134Ala)

Gene: TSC2 (TSC complex subunit 2; plus strand). Cytogenetic location: 16p13.3.
Variant type: single nucleotide variant.
Coding change: c.3401G>C on transcript NM_000548.5 (MANE Select); coding-DNA position 3401, G replaced by C.
Protein change: p.Gly1134Ala; replaces glycine 1134 with alanine.
Molecular consequence: missense variant.
Genome position (GRCh38, 1-based): chr16:2,080,168, G>C. VCF-style: chr16-2080168-G-C. GRCh37 (hg19) VCF-style: chr16-2130169-G-C.
Other names: c.3272G>C, p.Gly1091Ala (NM_001363528.2, NM_001370405.1, NM_021055.3); c.3269G>C, p.Gly1090Ala (NM_001370404.1, NM_001077183.3); c.3401G>C, p.Gly1134Ala (NM_001114382.3); c.3161G>C, p.Gly1054Ala (NM_001318827.2); c.3125G>C, p.Gly1042Ala (NM_001318829.2); c.2669G>C, p.Gly890Ala (NM_001318831.2); c.3302G>C, p.Gly1101Ala (NM_001318832.2); short protein forms G1042A, G1054A, G1090A, G1091A, G1101A, G1134A, G890A.
Identifiers: ClinVar variation 1022888 (VCV001022888.9), dbSNP rs766223343, ClinGen allele CA394288357.
Genomic context (GRCh38, chr16:2,080,168, plus strand): 5'-GCTGGTGGTTTTGCATCAGGTAAGTGGTGGTCACCAGTCCTCTGCCCTCTTCTTCAGGGG[G>C]CCATGGTCTTCGAGTTGGCGCCCTGGACGTGCCGGCCTCCCAGTTCCTGGGCAGTGCCAC-3'
Protein context (NP_000539.2, residues 1124-1144): ARDRVRSMSG[Gly1134Ala]HGLRVGALDV

ClinVar aggregate classification (germline): Uncertain significance (1 of 4 stars; one submission).

Conditions:
Tuberous sclerosis 2 (TSC2). Identifiers: Orphanet 805, MedGen C1860707, MONDO:0013199, OMIM 613254.

Submission:

Labcorp Genetics (formerly Invitae), Labcorp
Classification: Uncertain significance for Tuberous sclerosis 2. Last evaluated: 2024-03-06. Review status: criteria provided, single submitter. Criteria: Invitae Variant Classification Sherloc (09022015). Collection method: clinical testing. Allele origin: germline.
Comment: This sequence change replaces glycine, which is neutral and non-polar, with alanine, which is neutral and non-polar, at codon 1134 of the TSC2 protein (p.Gly1134Ala). This variant is not present in population databases (gnomAD no frequency). This variant has not been reported in the literature in individuals affected with TSC2-related conditions. ClinVar contains an entry for this variant (Variation ID: 1022888). Advanced modeling of protein sequence and biophysical properties (such as structural, functional, and spatial information, amino acid conservation, physicochemical variation, residue mobility, and thermodynamic stability) performed at Invitae indicates that this missense variant is not expected to disrupt TSC2 protein function with a negative predictive value of 95%. In summary, the available evidence is currently insufficient to determine the role of this variant in disease. Therefore, it has been classified as a Variant of Uncertain Significance.